The following is an entry in ClinVar:

NM_020937.4(FANCM):c.2821G>C (p.Val941Leu)

Gene: FANCM (FA complementation group M; plus strand). Cytogenetic location: 14q21.2.
Variant type: single nucleotide variant.
Coding change: c.2821G>C on transcript NM_020937.4 (MANE Select); coding-DNA position 2821, G replaced by C.
Protein change: p.Val941Leu; replaces valine 941 with leucine.
Molecular consequence: missense variant.
Genome position (GRCh38, 1-based): chr14:45,175,575, G>C. VCF-style: chr14-45175575-G-C. GRCh37 (hg19) VCF-style: chr14-45644778-G-C.
Other names: c.2743G>C, p.Val915Leu (NM_001308133.2); short protein forms V915L, V941L.
Identifiers: ClinVar variation 4871058 (VCV004871058.1).

ClinVar aggregate classification (germline): Uncertain significance (1 of 4 stars; one submission).

Conditions:
Inborn genetic diseases. Identifiers: MedGen C0950123, MeSH D030342.

Submission:

Ambry Genetics
Classification: Uncertain significance for Inborn genetic diseases. Last evaluated: 2026-03-31. Review status: criteria provided, single submitter. Criteria: Ambry Variant Classification Scheme 2023. Collection method: clinical testing. Allele origin: germline.
Comment: The p.V941L variant (also known as c.2821G>C), located in coding exon 14 of the FANCM gene, results from a G to C substitution at nucleotide position 2821. The valine at codon 941 is replaced by leucine, an amino acid with highly similar properties. This amino acid position is conserved. In addition, this alteration is predicted to be tolerated by in silico analysis. Based on the available evidence, the clinical significance of this variant remains unclear.